The following is an entry in ClinVar:

ClinVar aggregate classification (germline): Benign/Likely benign. Review status: criteria provided, multiple submitters, no conflicts (2 of 4 stars). 4 submissions from 4 submitters: Benign (1); Likely benign (3). Last evaluated 2025-12-10.

Conditions:
Brain small vessel disease 2A, autosomal dominant. Also called: Porencephaly 2. Identifiers: Orphanet 2940, Orphanet 99810, MedGen C3280970, MONDO:0013773, OMIM 614483.

Allele frequency attached by ClinVar (database versions not stated): ESP Exome Variant Server 0.00008; TOPMed 0.00040; 1000 Genomes Project 30x 0.00047; 1000 Genomes Project 0.00060.
gnomAD v4.1: 1,000 of 1,613,572 alleles (0.062%); highest among the groups gnomAD compares: Non-Finnish European, 0.077%; 2 homozygotes.

Submissions (4):

Labcorp Genetics (formerly Invitae), Labcorp
Classification: Likely benign. Last evaluated: 2025-12-10. Review status: criteria provided, single submitter. Criteria: Invitae Variant Classification Sherloc (09022015). Collection method: clinical testing. Allele origin: germline.

Blueprint Genetics
Classification: Likely benign. Last evaluated: 2024-10-28. Review status: criteria provided, single submitter. Criteria: ACMG Guidelines, 2015. Collection method: clinical testing. Allele origin: germline.

Illumina Laboratory Services, Illumina
Classification: Benign for Brain small vessel disease 2A, autosomal dominant. Last evaluated: 2018-01-12. Review status: criteria provided, single submitter. Criteria: ICSL Variant Classification Criteria 13 December 2019. Collection method: clinical testing. Allele origin: germline.
Comment: This variant was observed in the ICSL laboratory as part of a predisposition screen in an ostensibly healthy population. It had not been previously curated by ICSL or reported in the Human Gene Mutation Database (HGMD: prior to June 1st, 2018), and was therefore a candidate for classification through an automated scoring system. Utilizing variant allele frequency, disease prevalence and penetrance estimates, and inheritance mode, an automated score was calculated to assess if this variant is too frequent to cause the disease. Based on the score and internal cut-off values, a variant classified as benign is not then subjected to further curation. The score for this variant resulted in a classification of benign for this disease.

Breakthrough Genomics
Classification: Likely benign. Review status: criteria provided, single submitter. Criteria: ACMG Guidelines, 2015. Collection method: not provided. Allele origin: germline. Inheritance: Autosomal dominant inheritance. Affected: yes.

NM_001846.4(COL4A2):c.4968C>T (p.Ile1656=)

Gene: COL4A2 (collagen type IV alpha 2 chain; plus strand). Cytogenetic location: 13q34.
Variant type: single nucleotide variant.
Coding change: c.4968C>T on transcript NM_001846.4 (MANE Select); coding-DNA position 4968, C replaced by T.
Protein change: p.Ile1656=; no amino-acid change (isoleucine 1656 retained).
Molecular consequence: synonymous variant.
Genome position (GRCh38, 1-based): chr13:110,512,020, C>T. VCF-style: chr13-110512020-C-T. GRCh37 (hg19) VCF-style: chr13-111164367-C-T.
Identifiers: ClinVar variation 311193 (VCV000311193.14), dbSNP rs148666408, ClinGen allele CA7050721.